The following is an entry in ClinVar:

NM_001005242.3(PKP2):c.1604G>A (p.Cys535Tyr)

Gene: PKP2 (plakophilin 2; minus strand). Cytogenetic location: 12p11.21.
Variant type: single nucleotide variant.
Coding change: c.1604G>A on transcript NM_001005242.3 (MANE Select); coding-DNA position 1604, G replaced by A.
Protein change: p.Cys535Tyr; replaces cysteine 535 with tyrosine.
Molecular consequence: missense variant.
Genome position (GRCh38, 1-based): chr12:32,824,115, C>T on the plus strand (G>A on the coding strand, the complement: PKP2 is on the minus strand). VCF-style: chr12-32824115-C-T. GRCh37 (hg19) VCF-style: chr12-32977049-C-T.
Other names: c.1736G>A, p.Cys579Tyr (NM_004572.4); short protein forms C535Y, C579Y.
Identifiers: ClinVar variation 969385 (VCV000969385.12), dbSNP rs1956409874, ClinGen allele CA384364894.

ClinVar aggregate classification (germline): Uncertain significance. Review status: criteria provided, multiple submitters, no conflicts (2 of 4 stars). 3 submissions from 3 submitters: Uncertain significance (3). Last evaluated 2025-07-10.

Conditions:
Arrhythmogenic right ventricular dysplasia 9 (ARVD9). Also called: ARRHYTHMOGENIC RIGHT VENTRICULAR DYSPLASIA, FAMILIAL, 9; Arrhythmogenic Right Ventricular Dysplasia/Cardiomyopathy 9. Identifiers: MedGen C1836906, MONDO:0012180, OMIM 609040.
Cardiomyopathy (CMYO). Also called: Cardiomyopathies. Identifiers: Orphanet 167848, MedGen C0878544, MONDO:0004994, HP:0001638. Inheritance: Various modes of inheritance.

Allele frequency attached by ClinVar (database versions not stated): TOPMed below 0.00001; gnomAD 0.00001.
gnomAD v4.1: 1 of 1,613,492 alleles (0.000062%); highest among the groups gnomAD compares: Non-Finnish European, 0.000085%; no homozygotes.

Submissions (3):

Color Diagnostics, LLC DBA Color Health
Classification: Uncertain significance for Cardiomyopathy. Last evaluated: 2025-07-10. Review status: criteria provided, single submitter. Criteria: ACMG Guidelines, 2015. Collection method: clinical testing. Allele origin: germline.
Comment: This missense variant replaces cysteine with tyrosine at codon 579 of the PKP2 protein. Computational prediction suggests that this variant may have deleterious impact on protein structure and function. To our knowledge, functional studies have not been reported for this variant. This variant has not been reported in individuals affected with PKP2-related disorders in the literature. This variant has not been identified in the general population by the Genome Aggregation Database (gnomAD). The available evidence is insufficient to determine the role of this variant in disease conclusively. Therefore, this variant is classified as a Variant of Uncertain Significance.

Labcorp Genetics (formerly Invitae), Labcorp
Classification: Uncertain significance for Arrhythmogenic right ventricular dysplasia 9. Last evaluated: 2025-05-01. Review status: criteria provided, single submitter. Criteria: Invitae Variant Classification Sherloc (09022015). Collection method: clinical testing. Allele origin: germline.
Comment: This sequence change replaces cysteine, which is neutral and slightly polar, with tyrosine, which is neutral and polar, at codon 579 of the PKP2 protein (p.Cys579Tyr). This variant is not present in population databases (gnomAD no frequency). This variant has not been reported in the literature in individuals affected with PKP2-related conditions. ClinVar contains an entry for this variant (Variation ID: 969385). An algorithm developed to predict the effect of missense changes on protein structure and function (PolyPhen-2) suggests that this variant is likely to be disruptive. In summary, the available evidence is currently insufficient to determine the role of this variant in disease. Therefore, it has been classified as a Variant of Uncertain Significance.

Blueprint Genetics
Classification: Uncertain significance. Last evaluated: 2023-01-04. Review status: criteria provided, single submitter. Criteria: ACMG Guidelines, 2015. Collection method: clinical testing. Allele origin: germline.